The following is an entry in ClinVar:

NM_001101362.3(KBTBD13):c.706G>A (p.Gly236Ser)

Gene: KBTBD13 (kelch repeat and BTB domain containing 13; plus strand). Cytogenetic location: 15q22.31.
Variant type: single nucleotide variant.
Coding change: c.706G>A on transcript NM_001101362.3 (MANE Select); coding-DNA position 706, G replaced by A.
Protein change: p.Gly236Ser; replaces glycine 236 with serine.
Molecular consequence: missense variant.
Genome position (GRCh38, 1-based): chr15:65,077,521, G>A. VCF-style: chr15-65077521-G-A. GRCh37 (hg19) VCF-style: chr15-65369859-G-A.
Other names: short protein forms G236S.
Identifiers: ClinVar variation 1964581 (VCV001964581.5), dbSNP rs765022814, ClinGen allele CA7613961.

ClinVar aggregate classification (germline): Uncertain significance (1 of 4 stars; one submission).

Conditions:
Nemaline myopathy 6 (NEM6). Also called: Nemaline myopathy 6, autosomal dominant. Identifiers: Orphanet 171439, MedGen C1836472, MONDO:0012237, OMIM 609273.

Allele frequency attached by ClinVar (database versions not stated): TOPMed below 0.00001; gnomAD 0.00001; gnomAD exomes 0.00001; ExAC 0.00007.

Submission:

Labcorp Genetics (formerly Invitae), Labcorp
Classification: Uncertain significance for Nemaline myopathy 6. Last evaluated: 2022-02-02. Review status: criteria provided, single submitter. Criteria: Invitae Variant Classification Sherloc (09022015). Collection method: clinical testing. Allele origin: germline.
Comment: In summary, the available evidence is currently insufficient to determine the role of this variant in disease. Therefore, it has been classified as a Variant of Uncertain Significance. Algorithms developed to predict the effect of missense changes on protein structure and function are either unavailable or do not agree on the potential impact of this missense change (SIFT: "Tolerated"; PolyPhen-2: "Possibly Damaging"; Align-GVGD: "Class C0"). This variant has not been reported in the literature in individuals affected with KBTBD13-related conditions. The frequency data for this variant in the population databases is considered unreliable, as metrics indicate poor data quality at this position in the gnomAD database. This sequence change replaces glycine, which is neutral and non-polar, with serine, which is neutral and polar, at codon 236 of the KBTBD13 protein (p.Gly236Ser).